The following is an entry in ClinVar:

ClinVar aggregate classification (germline): Uncertain significance (1 of 4 stars; one submission).

Conditions:
Curry-Hall syndrome (WAD). Also called: WEYERS ACRODENTAL DYSOSTOSIS. Identifiers: Orphanet 952, MedGen C0457013, MONDO:0008673, OMIM 193530.
Ellis-van Creveld syndrome (EVC). Also called: EVC-Related Ellis-van Creveld Syndrome; EVC2-Related Ellis-van Creveld Syndrome; MESOECTODERMAL DYSPLASIA; Chondroectodermal dysplasia. Identifiers: Orphanet 289, MedGen C0013903, MONDO:0009162, OMIM 225500.

Allele frequency attached by ClinVar (database versions not stated): gnomAD exomes below 0.00001.
gnomAD v4.1: 1 of 1,594,492 alleles (0.000063%); highest among the groups gnomAD compares: Non-Finnish European, 0.000085%; no homozygotes.

Submission:

Labcorp Genetics (formerly Invitae), Labcorp
Classification: Uncertain significance for Curry-Hall syndrome; Ellis-van Creveld syndrome. Last evaluated: 2023-04-11. Review status: criteria provided, single submitter. Criteria: Invitae Variant Classification Sherloc (09022015). Collection method: clinical testing. Allele origin: germline.
Comment: In summary, the available evidence is currently insufficient to determine the role of this variant in disease. Therefore, it has been classified as a Variant of Uncertain Significance. An algorithm developed to predict the effect of missense changes on protein structure and function (PolyPhen-2) suggests that this variant is likely to be disruptive. This variant has not been reported in the literature in individuals affected with EVC2-related conditions. This variant is not present in population databases (gnomAD no frequency). This sequence change replaces leucine, which is neutral and non-polar, with phenylalanine, which is neutral and non-polar, at codon 836 of the EVC2 protein (p.Leu836Phe).

NM_147127.5(EVC2):c.2506C>T (p.Leu836Phe)

Gene: EVC2 (EvC ciliary complex subunit 2; minus strand). Cytogenetic location: 4p16.2.
Variant type: single nucleotide variant.
Coding change: c.2506C>T on transcript NM_147127.5 (MANE Select); coding-DNA position 2506, C replaced by T.
Protein change: p.Leu836Phe; replaces leucine 836 with phenylalanine.
Molecular consequence: missense variant.
Genome position (GRCh38, 1-based): chr4:5,618,678, G>A on the plus strand (C>T on the coding strand, the complement: EVC2 is on the minus strand). VCF-style: chr4-5618678-G-A. GRCh37 (hg19) VCF-style: chr4-5620405-G-A.
Other names: c.2266C>T, p.Leu756Phe (NM_001166136.2); short protein forms L836F, L756F.
Identifiers: ClinVar variation 2929071 (VCV002929071.3), dbSNP rs1560169100, ClinGen allele CA356143690.